The following is an entry in ClinVar:

ClinVar aggregate classification (germline): Uncertain significance. Review status: criteria provided, multiple submitters, no conflicts (2 of 4 stars). 2 submissions from 2 submitters: Uncertain significance (2). Last evaluated 2025-03-17.

Conditions:
Inborn genetic diseases. Identifiers: MedGen C0950123, MeSH D030342.
Perlman syndrome (PRLMNS). Identifiers: Orphanet 2849, MedGen C0796113, MONDO:0009965, OMIM 267000.

Allele frequency attached by ClinVar (database versions not stated): gnomAD 0.00001; ExAC 0.00002; gnomAD exomes 0.00002 and 0.00003; TOPMed 0.00002.
gnomAD v4.1: 31 of 1,613,454 alleles (0.0019%); highest among the groups gnomAD compares: Middle Eastern, 0.016%; no homozygotes.

Submissions (2):

Labcorp Genetics (formerly Invitae), Labcorp
Classification: Uncertain significance for Perlman syndrome. Last evaluated: 2025-03-17. Review status: criteria provided, single submitter. Criteria: Invitae Variant Classification Sherloc (09022015). Collection method: clinical testing. Allele origin: germline.
Comment: This sequence change replaces arginine, which is basic and polar, with cysteine, which is neutral and slightly polar, at codon 657 of the DIS3L2 protein (p.Arg657Cys). This variant is present in population databases (rs113330536, gnomAD 0.01%). This variant has not been reported in the literature in individuals affected with DIS3L2-related conditions. ClinVar contains an entry for this variant (Variation ID: 463083). Invitae Evidence Modeling of protein sequence and biophysical properties (such as structural, functional, and spatial information, amino acid conservation, physicochemical variation, residue mobility, and thermodynamic stability) has been performed for this missense variant. However, the output from this modeling did not meet the statistical confidence thresholds required to predict the impact of this variant on DIS3L2 protein function. In summary, the available evidence is currently insufficient to determine the role of this variant in disease. Therefore, it has been classified as a Variant of Uncertain Significance.

Ambry Genetics
Classification: Uncertain significance for Inborn genetic diseases. Last evaluated: 2020-12-02. Review status: criteria provided, single submitter. Criteria: Ambry Variant Classification Scheme 2023. Collection method: clinical testing. Allele origin: germline.
Comment: The c.1969C>T (p.R657C) alteration is located in exon 16 (coding exon 15) of the DIS3L2 gene. This alteration results from a C to T substitution at nucleotide position 1969, causing the arginine (R) at amino acid position 657 to be replaced by a cysteine (C). The p.R657C alteration is predicted to be tolerated by in silico analysis. Based on insufficient or conflicting evidence, the clinical significance of this alteration remains unclear.

NM_152383.5(DIS3L2):c.1969C>T (p.Arg657Cys)

Gene: DIS3L2 (DIS3 like 3'-5' exoribonuclease 2; plus strand). Cytogenetic location: 2q37.1.
Variant type: single nucleotide variant.
Coding change: c.1969C>T on transcript NM_152383.5 (MANE Select); coding-DNA position 1969, C replaced by T.
Protein change: p.Arg657Cys; replaces arginine 657 with cysteine.
Molecular consequence: missense variant. On other transcripts: non-coding transcript variant (2), intron variant (1).
Genome position (GRCh38, 1-based): chr2:232,330,735, C>T. VCF-style: chr2-232330735-C-T. GRCh37 (hg19) VCF-style: chr2-233195445-C-T.
Other names: c.1582-12610C>T (NM_001257281.2); short protein forms R657C.
Identifiers: ClinVar variation 463083 (VCV000463083.10), dbSNP rs113330536, ClinGen allele CA2164338.